The following is an entry in ClinVar:

ClinVar aggregate classification (germline): Uncertain significance (1 of 4 stars; one submission).

Submission:

GeneDx
Classification: Uncertain significance. Last evaluated: 2022-10-17. Review status: criteria provided, single submitter. Criteria: GeneDx Variant Classification Process June 2021. Collection method: clinical testing. Allele origin: germline. Affected: yes.
Comment: Not observed at significant frequency in large population cohorts (gnomAD); In silico analysis supports that this missense variant has a deleterious effect on protein structure/function; Has not been previously published as pathogenic or benign to our knowledge

NM_001374828.1(ARID1B):c.7040A>G (p.Asp2347Gly)

Gene: ARID1B (AT-rich interaction domain 1B; plus strand). Cytogenetic location: 6q25.3.
Variant type: single nucleotide variant.
Coding change: c.7040A>G on transcript NM_001374828.1 (MANE Select); coding-DNA position 7040, A replaced by G.
Protein change: p.Asp2347Gly; replaces aspartic acid 2347 with glycine.
Molecular consequence: missense variant.
Genome position (GRCh38, 1-based): chr6:157,207,812, A>G. VCF-style: chr6-157207812-A-G. GRCh37 (hg19) VCF-style: chr6-157528946-A-G.
Other names: c.6791A>G, p.Asp2264Gly (NM_001346813.1); c.4541A>G, p.Asp1514Gly (NM_001363725.2); c.6920A>G, p.Asp2307Gly (NM_001371656.1, NM_001374820.1); c.6881A>G, p.Asp2294Gly (NM_017519.3); c.6671A>G, p.Asp2224Gly (NM_020732.3); c.6458A>G, p.Asp2153Gly (NM_175863.2); short protein forms D1514G, D2153G, D2224G, D2264G, D2294G, D2307G, D2347G.
Identifiers: ClinVar variation 2499247 (VCV002499247.1), dbSNP rs2538795600, ClinGen allele CA366249621.